The following is an entry in ClinVar:

ClinVar aggregate classification (germline): Uncertain significance (1 of 4 stars; one submission).

Conditions:
Lafora disease. Also called: Epilepsy progressive myoclonic 2. Identifiers: Orphanet 501, MedGen C0751783, MONDO:0009697.

Submission:

Broad Center for Mendelian Genomics, Broad Institute of MIT and Harvard
Classification: Uncertain significance for Lafora disease. Last evaluated: 2025-01-07. Review status: criteria provided, single submitter. Criteria: ACMG Guidelines, 2015. Collection method: curation. Allele origin: germline. Inheritance: Autosomal recessive inheritance.
Comment: Although this variant has been seen in the general population in a heterozygous state, its frequency is low enough to be consistent with a recessive carrier frequency. Computational prediction tools and conservation analyses suggest that this variant may impact the protein, though this information is not predictive enough to determine pathogenicity. In summary, although additional studies are required to fully establish its clinical significance, this variant is likely pathogenic for autosomal recessive Lafora disease. ACMG/AMP Criteria applied: PP3_moderate, PM2_supporting, PM3_supporting (Richards 2015).

NM_005670.4(EPM2A):c.262T>G (p.Phe88Val)

Genes: EPM2A (EPM2A glucan phosphatase, laforin; minus strand), EPM2A-DT (EPM2A divergent transcript; plus strand), LOC129997381 (ATAC-STARR-seq lymphoblastoid silent region 17642; plus strand). Cytogenetic location: 6q24.3.
Variant type: single nucleotide variant.
Coding change: c.262T>G on transcript NM_005670.4 (MANE Select); coding-DNA position 262, T replaced by G.
Protein change: p.Phe88Val; replaces phenylalanine 88 with valine.
Molecular consequence: missense variant. On other transcripts: 5 prime UTR variant (2), intron variant (2).
Genome position (GRCh38, 1-based): chr6:145,735,237, A>C on the plus strand (T>G on the coding strand, the complement: EPM2A is on the minus strand). VCF-style: chr6-145735237-A-C. GRCh37 (hg19) VCF-style: chr6-146056373-A-C.
Other names: NR_153398.2:n.116+671T>G; c.262T>G, p.Phe88Val (NM_001018041.2, NM_001360057.2, NM_001368130.1); c.-408T>G (NM_001360071.2); c.-362T>G (NM_001368129.2); c.-114+671T>G (NM_001360064.2); c.-114+8T>G (NM_001368131.1); short protein forms F88V.
Identifiers: ClinVar variation 3776887 (VCV003776887.1).
Genomic context (GRCh38, chr6:145,735,237, plus strand): 5'-GCAGGCGTCTGCTGGCAATACCTTCCCAGGAGAGCTCTCCTCCCGGCTCCCGCTTCAGGA[A>C]CTTGTACCAGAACGTGTCCACGCGGCCCGGCTCCGCCCCGTCCTGCGCCGCCTCCTCGGC-3'
Protein context (NP_005661.1, residues 78-98): PGRVDTFWYK[Phe88Val]LKREPGGELS